The following is an entry in ClinVar:

NM_002485.5(NBN):c.884A>T (p.Asp295Val)

Gene: NBN (nibrin; minus strand). Cytogenetic location: 8q21.3.
Variant type: single nucleotide variant.
Coding change: c.884A>T on transcript NM_002485.5 (MANE Select); coding-DNA position 884, A replaced by T.
Protein change: p.Asp295Val; replaces aspartic acid 295 with valine.
Molecular consequence: missense variant.
Genome position (GRCh38, 1-based): chr8:89,970,376, T>A on the plus strand (A>T on the coding strand, the complement: NBN is on the minus strand). VCF-style: chr8-89970376-T-A. GRCh37 (hg19) VCF-style: chr8-90982604-T-A.
Other names: c.638A>T, p.Asp213Val (NM_001024688.3); short protein forms D295V, D213V.
Identifiers: ClinVar variation 530719 (VCV000530719.11), dbSNP rs1208423434, ClinGen allele CA371658217.

ClinVar aggregate classification (germline): Uncertain significance. Review status: criteria provided, multiple submitters, no conflicts (2 of 4 stars). 2 submissions from 2 submitters: Uncertain significance (2). Last evaluated 2022-05-29.

Conditions:
Hereditary cancer-predisposing syndrome. Also called: Neoplastic Syndromes, Hereditary; Hereditary neoplastic syndrome; Tumor predisposition; Hereditary Cancer Syndrome. Identifiers: Orphanet 140162, MedGen C0027672, MeSH D009386, MONDO:0015356.
Microcephaly, normal intelligence and immunodeficiency (NBS). Also called: Immunodeficiency, microcephaly with normal intelligence; Ataxia telangiectasia variant V1; IMMUNODEFICIENCY, MICROCEPHALY, AND CHROMOSOMAL INSTABILITY; BERLIN BREAKAGE SYNDROME; SEEMANOVA SYNDROME II; Nijmegen breakage syndrome. Identifiers: Orphanet 647, MedGen C0398791, MONDO:0009623, OMIM 251260.

Submissions (2):

Labcorp Genetics (formerly Invitae), Labcorp
Classification: Uncertain significance for Microcephaly, normal intelligence and immunodeficiency. Last evaluated: 2022-05-29. Review status: criteria provided, single submitter. Criteria: Invitae Variant Classification Sherloc (09022015). Collection method: clinical testing. Allele origin: germline.
Comment: In summary, the available evidence is currently insufficient to determine the role of this variant in disease. Therefore, it has been classified as a Variant of Uncertain Significance. This sequence change replaces aspartic acid, which is acidic and polar, with valine, which is neutral and non-polar, at codon 295 of the NBN protein (p.Asp295Val). This variant is not present in population databases (gnomAD no frequency). Algorithms developed to predict the effect of missense changes on protein structure and function (SIFT, PolyPhen-2, Align-GVGD) all suggest that this variant is likely to be tolerated. ClinVar contains an entry for this variant (Variation ID: 530719). This variant has not been reported in the literature in individuals affected with NBN-related conditions.

Ambry Genetics
Classification: Uncertain significance for Hereditary cancer-predisposing syndrome. Last evaluated: 2019-01-10. Review status: criteria provided, single submitter. Criteria: Ambry Variant Classification Scheme 2023. Collection method: clinical testing. Allele origin: germline.
Comment: The p.D295V variant (also known as c.884A>T), located in coding exon 7 of the NBN gene, results from an A to T substitution at nucleotide position 884. The aspartic acid at codon 295 is replaced by valine, an amino acid with highly dissimilar properties. This amino acid position is well conserved in available vertebrate species. In addition, the in silico prediction for this alteration is inconclusive. Since supporting evidence is limited at this time, the clinical significance of this alteration remains unclear.